The following is an entry in ClinVar:

NM_001875.5(CPS1):c.3112G>C (p.Glu1038Gln)

Gene: CPS1 (carbamoyl-phosphate synthase 1; plus strand). Cytogenetic location: 2q34.
Variant type: single nucleotide variant.
Coding change: c.3112G>C on transcript NM_001875.5 (MANE Select); coding-DNA position 3112, G replaced by C.
Protein change: p.Glu1038Gln; replaces glutamic acid 1038 with glutamine.
Molecular consequence: missense variant. On other transcripts: non-coding transcript variant (2).
Genome position (GRCh38, 1-based): chr2:210,642,636, G>C. VCF-style: chr2-210642636-G-C. GRCh37 (hg19) VCF-style: chr2-211507360-G-C.
Other names: c.3112G>C, p.Glu1038Gln (NM_001122633.3, NM_001369257.1); c.3145G>C, p.Glu1049Gln (NM_001369256.1); short protein forms E1038Q, E1049Q.
Identifiers: ClinVar variation 860052 (VCV000860052.7), dbSNP rs1700263629, ClinGen allele CA350434385.

ClinVar aggregate classification (germline): Uncertain significance (1 of 4 stars; one submission).

Conditions:
Congenital hyperammonemia, type I. Also called: Carbamoyl phosphate synthetase I deficiency disease; Carbamoyl phosphate synthetase 1 deficiency; Hyperammonemia due to carbamoyl phosphate synthetase 1 deficiency; CPS 1 deficiency; Carbamyl phosphate synthetase (CPS) deficiency; Carbamoyl-phosphate synthase I deficiency. Identifiers: Orphanet 147, MedGen C4082171, MONDO:0009376, OMIM 237300.

Submission:

Labcorp Genetics (formerly Invitae), Labcorp
Classification: Uncertain significance for Congenital hyperammonemia, type I. Last evaluated: 2021-08-31. Review status: criteria provided, single submitter. Criteria: Invitae Variant Classification Sherloc (09022015). Collection method: clinical testing. Allele origin: germline.
Comment: This sequence change replaces glutamic acid with glutamine at codon 1038 of the CPS1 protein (p.Glu1038Gln). The glutamic acid residue is highly conserved and there is a small physicochemical difference between glutamic acid and glutamine. This variant is not present in population databases (ExAC no frequency). This missense change has been observed in individual(s) with CPS1-related conditions (Invitae). Algorithms developed to predict the effect of missense changes on protein structure and function are either unavailable or do not agree on the potential impact of this missense change (SIFT: "Deleterious"; PolyPhen-2: "Probably Damaging"; Align-GVGD: "Class C0"). In summary, the available evidence is currently insufficient to determine the role of this variant in disease. Therefore, it has been classified as a Variant of Uncertain Significance.